The following is an entry in ClinVar:

NM_004172.5(SLC1A3):c.781A>C (p.Lys261Gln)

Genes: SLC1A3 (solute carrier family 1 member 3; plus strand), SLC1A3-AS1 (SLC1A3 antisense RNA 1; minus strand). Cytogenetic location: 5p13.2.
Variant type: single nucleotide variant.
Coding change: c.781A>C on transcript NM_004172.5 (MANE Select); coding-DNA position 781, A replaced by C.
Protein change: p.Lys261Gln; replaces lysine 261 with glutamine.
Molecular consequence: missense variant. On other transcripts: intron variant (1).
Genome position (GRCh38, 1-based): chr5:36,677,105, A>C. VCF-style: chr5-36677105-A-C. GRCh37 (hg19) VCF-style: chr5-36677207-A-C.
Other names: c.781A>C, p.Lys261Gln (NM_001166695.3); c.643A>C, p.Lys215Gln (NM_001289939.2); c.525-2522A>C (NM_001289940.2); short protein forms K215Q, K261Q.
Identifiers: ClinVar variation 3367396 (VCV003367396.1).

ClinVar aggregate classification (germline): Uncertain significance (1 of 4 stars; one submission).

gnomAD v4.1: 1 of 1,614,130 alleles (0.000062%); highest among the groups gnomAD compares: East Asian, 0.0022%; no homozygotes.

Submission:

GeneDx
Classification: Uncertain significance. Last evaluated: 2023-12-28. Review status: criteria provided, single submitter. Criteria: GeneDx Variant Classification Process June 2021. Collection method: clinical testing. Allele origin: germline. Affected: yes.
Comment: Not observed at significant frequency in large population cohorts (gnomAD); In silico analysis supports that this missense variant does not alter protein structure/function; Has not been previously published as pathogenic or benign to our knowledge